The following is an entry in ClinVar:

NM_001347.4(DGKQ):c.1015C>A (p.Pro339Thr)

Gene: DGKQ (diacylglycerol kinase theta; minus strand). Cytogenetic location: 4p16.3.
Variant type: single nucleotide variant.
Coding change: c.1015C>A on transcript NM_001347.4 (MANE Select); coding-DNA position 1015, C replaced by A.
Protein change: p.Pro339Thr; replaces proline 339 with threonine.
Molecular consequence: missense variant.
Genome position (GRCh38, 1-based): chr4:967,334, G>T on the plus strand (C>A on the coding strand, the complement: DGKQ is on the minus strand). VCF-style: chr4-967334-G-T. GRCh37 (hg19) VCF-style: chr4-961122-G-T.
Other names: short protein forms P339T.
Identifiers: ClinVar variation 3053600 (VCV003053600.2), dbSNP rs200155030, ClinGen allele CA2800683.

ClinVar aggregate classification (germline): Likely benign (0 of 4 stars; one submission).

Conditions:
DGKQ-related disorder. Also called: DGKQ-related condition.

Allele frequency attached by ClinVar (database versions not stated): ESP Exome Variant Server 0.00042; 1000 Genomes Project 30x 0.00047; 1000 Genomes Project 0.00060; TOPMed 0.00143; ExAC 0.00148; gnomAD 0.00149; gnomAD exomes 0.00231.
gnomAD v4.1: 3,378 of 1,537,294 alleles (0.22%); highest among the groups gnomAD compares: Non-Finnish European, 0.27%; 8 homozygotes.

Submission:

PreventionGenetics, part of Exact Sciences
Classification: Likely benign for DGKQ-related condition. Last evaluated: 2023-07-09. Review status: no assertion criteria provided. Collection method: clinical testing. Allele origin: germline.
Comment: This variant is classified as likely benign based on ACMG/AMP sequence variant interpretation guidelines (Richards et al. 2015 PMID: 25741868, with internal and published modifications).